The following is an entry in ClinVar:

ClinVar aggregate classification (germline): Uncertain significance (1 of 4 stars; one submission).

Submission:

Labcorp Genetics (formerly Invitae), Labcorp
Classification: Uncertain significance. Last evaluated: 2024-04-17. Review status: criteria provided, single submitter. Criteria: Invitae Variant Classification Sherloc (09022015). Collection method: clinical testing. Allele origin: germline.
Comment: This sequence change replaces glutamic acid, which is acidic and polar, with valine, which is neutral and non-polar, at codon 174 of the CNNM4 protein (p.Glu174Val). This variant is not present in population databases (gnomAD no frequency). This variant has not been reported in the literature in individuals affected with CNNM4-related conditions. ClinVar contains an entry for this variant (Variation ID: 1004552). Advanced modeling of protein sequence and biophysical properties (such as structural, functional, and spatial information, amino acid conservation, physicochemical variation, residue mobility, and thermodynamic stability) performed at Invitae indicates that this missense variant is not expected to disrupt CNNM4 protein function with a negative predictive value of 80%. In summary, the available evidence is currently insufficient to determine the role of this variant in disease. Therefore, it has been classified as a Variant of Uncertain Significance.

NM_020184.4(CNNM4):c.521A>T (p.Glu174Val)

Gene: CNNM4 (cyclin and CBS domain divalent metal cation transport mediator 4; plus strand). Cytogenetic location: 2q11.2.
Variant type: single nucleotide variant.
Coding change: c.521A>T on transcript NM_020184.4 (MANE Select); coding-DNA position 521, A replaced by T.
Protein change: p.Glu174Val; replaces glutamic acid 174 with valine.
Molecular consequence: missense variant.
Genome position (GRCh38, 1-based): chr2:96,761,520, A>T. VCF-style: chr2-96761520-A-T. GRCh37 (hg19) VCF-style: chr2-97427257-A-T.
Other names: short protein forms E174V.
Identifiers: ClinVar variation 1004552 (VCV001004552.8), dbSNP rs2078762598, ClinGen allele CA347714181.